The following is an entry in ClinVar:

NM_000717.5(CA4):c.422T>C (p.Ile141Thr)

Gene: CA4 (carbonic anhydrase 4; plus strand). Cytogenetic location: 17q23.1.
Variant type: single nucleotide variant.
Coding change: c.422T>C on transcript NM_000717.5 (MANE Select); coding-DNA position 422, T replaced by C.
Protein change: p.Ile141Thr; replaces isoleucine 141 with threonine.
Molecular consequence: missense variant. On other transcripts: non-coding transcript variant (1).
Genome position (GRCh38, 1-based): chr17:60,157,697, T>C. VCF-style: chr17-60157697-T-C. GRCh37 (hg19) VCF-style: chr17-58235058-T-C.
Other names: short protein forms I141T.
Identifiers: ClinVar variation 3994218 (VCV003994218.2).

ClinVar aggregate classification (germline): Uncertain significance. Review status: criteria provided, multiple submitters, no conflicts (2 of 4 stars). 2 submissions from 2 submitters: Uncertain significance (2). Last evaluated 2025-07-07.

gnomAD v4.1: 3 of 1,613,468 alleles (0.00019%); highest among the groups gnomAD compares: African/African-American, 0.0027%; no homozygotes.

Submissions (2):

Labcorp Genetics (formerly Invitae), Labcorp
Classification: Uncertain significance. Last evaluated: 2025-07-07. Review status: criteria provided, single submitter. Criteria: Invitae Variant Classification Sherloc (09022015). Collection method: clinical testing. Allele origin: germline.
Comment: This sequence change replaces isoleucine, which is neutral and non-polar, with threonine, which is neutral and polar, at codon 141 of the CA4 protein (p.Ile141Thr). This variant is present in population databases (rs781756861, gnomAD 0.007%). This variant has not been reported in the literature in individuals affected with CA4-related conditions. Invitae Evidence Modeling of protein sequence and biophysical properties (such as structural, functional, and spatial information, amino acid conservation, physicochemical variation, residue mobility, and thermodynamic stability) indicates that this missense variant is expected to disrupt CA4 protein function with a positive predictive value of 80%. In summary, the available evidence is currently insufficient to determine the role of this variant in disease. Therefore, it has been classified as a Variant of Uncertain Significance.

Ambry Genetics
Classification: Uncertain significance. Last evaluated: 2025-05-28. Review status: criteria provided, single submitter. Criteria: Ambry Variant Classification Scheme 2023. Collection method: clinical testing. Allele origin: germline.